The following is an entry in ClinVar:

NM_001130987.2(DYSF):c.1033+5G>A

Gene: DYSF (dysferlin; plus strand). Cytogenetic location: 2p13.2.
Variant type: single nucleotide variant.
Coding change: c.1033+5G>A on transcript NM_001130987.2 (MANE Select); 5 bases into the intron after coding-DNA position 1033, G replaced by A.
Molecular consequence: intron variant.
Genome position (GRCh38, 1-based): chr2:71,520,213, G>A. VCF-style: chr2-71520213-G-A. GRCh37 (hg19) VCF-style: chr2-71747343-G-A.
Other names: c.1030+5G>A (NM_001130979.2, NM_001130981.2, NM_001130980.2); c.937+5G>A (NM_001130978.2, NM_003494.4, NM_001130977.2 and 1 more transcripts); c.1033+5G>A (NM_001130982.2, NM_001130985.2); c.940+5G>A (NM_001130983.2, NM_001130455.2, NM_001130984.2 and 1 more transcripts).
Identifiers: ClinVar variation 2441119 (VCV002441119.4), dbSNP rs2545454197, ClinGen allele CA2570797267.
Genomic context (GRCh38, chr2:71,520,213, plus strand): 5'-TTGTGTCTCCTCTCATTGATTGCAGATGGACGTGGGCACCATTTACAGAGAGCCCCGTGA[G>A]TTCTCACCACTTTGGCCGTATCCTTGCATTTTGGTTCTGGAGGCTGATTGGGGACACTCA-3'

ClinVar aggregate classification (germline): Likely pathogenic. Review status: reviewed by expert panel (3 of 4 stars). 2 submissions from 2 submitters: Likely pathogenic (1). 1 of the submissions does not count toward it. Last evaluated 2026-01-13.

Conditions:
Autosomal recessive limb-girdle muscular dystrophy. Identifiers: Orphanet 102015, MedGen C2931907, MONDO:0015152.

Submissions (2):

ClinGen Limb Girdle Muscular Dystrophy Variant Curation Expert Panel, ClinGen
Classification: Likely pathogenic for Autosomal recessive limb-girdle muscular dystrophy. Last evaluated: 2026-01-13. Review status: reviewed by expert panel. Criteria: ClinGen LGMD VCEP ACMG Specifications DYSF V2.0.0. Collection method: curation. Allele origin: germline. Inheritance: Autosomal recessive inheritance.
Comment: The NM_003494.4: c.937+5G>A variant in DYSF, which is also known as NM_001130987.2: c.1033+5G>A, occurs in the splice donor region of exon 10. This variant has been identified in one patient with features consistent with LGMD, where it was identified in unknown phase with a pathogenic variant (NM_003494.4: c.107_108del p.(Lys36SerfsTer12), 0.5 pts, Jain Foundation Registry internal data communication) (PM3_Supporting). This individual exhibited both progressive proximal muscle weakness and absent dysferlin protein expression in skeletal muscle, which is highly specific for DYSF-associated LGMD (PP4_Strong). This variant is absent from gnomAD v.4.1.0 (PM2_Supporting). SpliceAI gives a score of 0.32 for donor loss and 0.22 for gain of an alternative donor in the intron; these scores are lower than the LGMD VCEP threshold of 0.5 (PP3 not met). However, SpliceAI does predict ablation of the canonical donor due to the presence of this variant, with a probability score of 0. Another nucleotide change affecting the same splice site, NM_003494.4: c.937+1G>A, is predicted to have the same splice effect and is classified as pathogenic for autosomal recessive limb girdle muscular dystrophy by the ClinGen LGMD VCEP (PS1_Moderate). In summary, this variant meets the criteria to be classified as Likely Pathogenic for autosomal recessive limb girdle muscular dystrophy based on the ACMG/AMP criteria applied, as specified by the ClinGen LGMD VCEP (LGMD VCEP specifications version 2.0.0; 01/13/2026): PM3_Supporting, PP4_Strong, PM2_Supporting, PS1_Moderate.

Revvity Omics, Revvity
Classification: Uncertain significance. Last evaluated: 2020-07-17. Review status: criteria provided, single submitter. Criteria: ACMG Guidelines, 2015. Collection method: clinical testing. Allele origin: germline. Not counted in ClinVar's aggregate classification.